The following is an entry in ClinVar:

ClinVar aggregate classification (germline): Likely pathogenic (1 of 4 stars; one submission).

Conditions:
Familial adenomatous polyposis 2. Also called: MYH-associated polyposis; Adenomas, multiple colorectal; COLORECTAL ADENOMATOUS POLYPOSIS, AUTOSOMAL RECESSIVE; ADENOMAS, MULTIPLE COLORECTAL, AUTOSOMAL RECESSIVE; FAP type 2; MUTYH Polyposis. Identifiers: Orphanet 220460, Orphanet 247798, MedGen C3272841, MONDO:0012041, OMIM 608456.

Submission:

Labcorp Genetics (formerly Invitae), Labcorp
Classification: Likely pathogenic for Familial adenomatous polyposis 2. Last evaluated: 2024-03-20. Review status: criteria provided, single submitter. Criteria: Invitae Variant Classification Sherloc (09022015). Collection method: clinical testing. Allele origin: germline.
Comment: This variant results in the deletion of part of exon 9 (c.779_789-10del) of the MUTYH gene. It is expected to disrupt RNA splicing. Variants that disrupt the donor or acceptor splice site typically lead to a loss of protein function (PMID: 16199547), and loss-of-function variants in MUTYH are known to be pathogenic (PMID: 18534194, 20663686). This variant is present in population databases (no rsID available, gnomAD 0.003%). This variant has not been reported in the literature in individuals affected with MUTYH-related conditions. ClinVar contains an entry for this variant (Variation ID: 1490948). In summary, the currently available evidence indicates that the variant is pathogenic, but additional data are needed to prove that conclusively. Therefore, this variant has been classified as Likely Pathogenic.

Literature cited by the submitters: PubMed 16199547; PubMed 18534194; PubMed 20663686.

NM_001048174.2(MUTYH):c.695_705-10del

Gene: MUTYH (mutY DNA glycosylase; minus strand). Cytogenetic location: 1p34.1.
Variant type: Deletion.
Coding change: c.695_705-10del on transcript NM_001048174.2 (MANE Select); coding-DNA position 695 through 10 bases into the intron before coding-DNA position 705, 81 bases deleted.
Molecular consequence: splice donor variant.
Genome position (GRCh38, 1-based): chr1:45,332,320-45,332,400, 81 bases deleted. GRCh37 (hg19): chr1:45,797,997-45,798,077.
Other names: c.350_360-10del (NM_001350651.2, NM_001350650.2); c.419_429-10del (NM_001293192.2, NM_001293196.2); c.695_705-10del (NM_001048171.2, NM_001048173.2, NM_001293195.2); c.740_750-10del (NM_001293190.2); c.770_780-10del (NM_012222.3); c.779_789-10del (NM_001128425.2); c.698_708-10del (NM_001048172.2); c.728_738-10del (NM_001293191.2).
Identifiers: ClinVar variation 1490948 (VCV001490948.6), dbSNP rs1557472384, ClinGen allele CA522810435.